The following is an entry in ClinVar:

NM_031935.3(HMCN1):c.9127G>A (p.Glu3043Lys)

Gene: HMCN1 (hemicentin 1; plus strand). Cytogenetic location: 1q31.1.
Variant type: single nucleotide variant.
Coding change: c.9127G>A on transcript NM_031935.3 (MANE Select); coding-DNA position 9127, G replaced by A.
Protein change: p.Glu3043Lys; replaces glutamic acid 3043 with lysine.
Molecular consequence: missense variant.
Genome position (GRCh38, 1-based): chr1:186,087,297, G>A. VCF-style: chr1-186087297-G-A. GRCh37 (hg19) VCF-style: chr1-186056429-G-A.
Other names: c.9127G>A (NM_031935.2); short protein forms E3043K.
Identifiers: ClinVar variation 1404618 (VCV001404618.7), dbSNP rs747230633, ClinGen allele CA1293327.
Genomic context (GRCh38, chr1:186,087,297, plus strand): 5'-ATTCGGGCCAAGGTATCAGATGGTGGTGAATACACTTGTATAGCTATCAATCAAGCTGGC[G>A]AAAGCAAGAAAAAGTTTTCCCTGACTGTTTATGGTTCGTTTTTACTCTCTTCATAAAATT-3'
Protein context (NP_114141.2, residues 3033-3053): YTCIAINQAG[Glu3043Lys]SKKKFSLTVY

ClinVar aggregate classification (germline): Uncertain significance. Review status: criteria provided, multiple submitters, no conflicts (2 of 4 stars). 3 submissions from 3 submitters: Uncertain significance (3). Last evaluated 2025-06-06.

Conditions:
Age related macular degeneration 1 (ARMD1). Also called: MACULOPATHY, AGE-RELATED, 1. Identifiers: MedGen C1864205, MONDO:0011285, OMIM 603075.

Allele frequency attached by ClinVar (database versions not stated): gnomAD 0.00001; ExAC 0.00002; gnomAD exomes 0.00003; TOPMed 0.00003.
gnomAD v4.1: 44 of 1,613,024 alleles (0.0027%); highest among the groups gnomAD compares: Admixed American, 0.01%; no homozygotes.

Submissions (3):

Labcorp Genetics (formerly Invitae), Labcorp
Classification: Uncertain significance. Last evaluated: 2025-06-06. Review status: criteria provided, single submitter. Criteria: Invitae Variant Classification Sherloc (09022015). Collection method: clinical testing. Allele origin: germline.
Comment: This sequence change replaces glutamic acid, which is acidic and polar, with lysine, which is basic and polar, at codon 3043 of the HMCN1 protein (p.Glu3043Lys). This variant is present in population databases (rs747230633, gnomAD 0.01%). This variant has not been reported in the literature in individuals affected with HMCN1-related conditions. ClinVar contains an entry for this variant (Variation ID: 1404618). An algorithm developed to predict the effect of missense changes on protein structure and function (PolyPhen-2) suggests that this variant is likely to be disruptive. In summary, the available evidence is currently insufficient to determine the role of this variant in disease. Therefore, it has been classified as a Variant of Uncertain Significance.

Genome-Nilou Lab
Classification: Uncertain significance for Age related macular degeneration 1. Last evaluated: 2023-04-11. Review status: criteria provided, single submitter. Criteria: ACMG Guidelines, 2015. Collection method: clinical testing. Allele origin: germline. Affected: no.

Ambry Genetics
Classification: Uncertain significance. Last evaluated: 2021-12-03. Review status: criteria provided, single submitter. Criteria: Ambry Variant Classification Scheme 2023. Collection method: clinical testing. Allele origin: germline.